The following is an entry in ClinVar:

NM_005909.5(MAP1B):c.5777T>C (p.Ile1926Thr)

Gene: MAP1B (microtubule associated protein 1B; plus strand). Cytogenetic location: 5q13.2.
Variant type: single nucleotide variant.
Coding change: c.5777T>C on transcript NM_005909.5 (MANE Select); coding-DNA position 5777, T replaced by C.
Protein change: p.Ile1926Thr; replaces isoleucine 1926 with threonine.
Molecular consequence: missense variant.
Genome position (GRCh38, 1-based): chr5:72,199,132, T>C. VCF-style: chr5-72199132-T-C. GRCh37 (hg19) VCF-style: chr5-71494959-T-C.
Other names: c.5399T>C, p.Ile1800Thr (NM_001324255.2); c.5777T>C (NM_005909.4); short protein forms I1800T, I1926T.
Identifiers: ClinVar variation 3122717 (VCV003122717.2), dbSNP rs746155365, ClinGen allele CA3299377.
Genomic context (GRCh38, chr5:72,199,132, plus strand): 5'-ATGAGAAGATAGAGAGAACCACAAAATCTCCAAGTGACAGTGGCTACTCCTATGAGACCA[T>C]TGGGAAAACTACCAAGACCCCTGAAGATGGTGACTATTCCTATGAAATTATTGAGAAGAC-3'
Protein context (NP_005900.2, residues 1916-1936): PSDSGYSYET[Ile1926Thr]GKTTKTPEDG

ClinVar aggregate classification (germline): Likely benign. Review status: criteria provided, single submitter (1 of 4 stars). 2 submissions from 2 submitters: Likely benign (1). 1 of the submissions does not count toward it. Last evaluated 2022-11-18.

Conditions:
Inborn genetic diseases. Identifiers: MedGen C0950123, MeSH D030342.
MAP1B-related disorder. Also called: MAP1B-related condition.

Allele frequency attached by ClinVar (database versions not stated): gnomAD exomes 0.00005; TOPMed 0.00005; gnomAD 0.00007; ExAC 0.00012.
gnomAD v4.1: 81 of 1,613,926 alleles (0.005%); highest among the groups gnomAD compares: African/African-American, 0.011%; no homozygotes.

Submissions (2):

Ambry Genetics
Classification: Likely benign for Inborn genetic diseases. Last evaluated: 2022-11-18. Review status: criteria provided, single submitter. Criteria: Ambry Variant Classification Scheme 2023. Collection method: clinical testing. Allele origin: germline.

PreventionGenetics, part of Exact Sciences
Classification: Uncertain significance for MAP1B-related condition. Last evaluated: 2024-06-04. Review status: no assertion criteria provided. Collection method: clinical testing. Allele origin: germline. Not counted in ClinVar's aggregate classification.
Comment: The MAP1B c.5777T>C variant is predicted to result in the amino acid substitution p.Ile1926Thr. To our knowledge, this variant has not been reported in the literature. This variant is reported in 0.016% of alleles in individuals of African descent in gnomAD. At this time, the clinical significance of this variant is uncertain due to the absence of conclusive functional and genetic evidence.